The following is an entry in ClinVar:

NM_004360.5(CDH1):c.1352T>C (p.Ile451Thr)

Gene: CDH1 (cadherin 1; plus strand). Cytogenetic location: 16q22.1.
Variant type: single nucleotide variant.
Coding change: c.1352T>C on transcript NM_004360.5 (MANE Select); coding-DNA position 1352, T replaced by C.
Protein change: p.Ile451Thr; replaces isoleucine 451 with threonine.
Molecular consequence: missense variant. On other transcripts: 5 prime UTR variant (2).
Genome position (GRCh38, 1-based): chr16:68,815,546, T>C. VCF-style: chr16-68815546-T-C. GRCh37 (hg19) VCF-style: chr16-68849449-T-C.
Other names: c.1169T>C, p.Ile390Thr (NM_001317184.2); c.-197T>C (NM_001317185.2); c.-468T>C (NM_001317186.2); short protein forms I451T, I390T.
Identifiers: ClinVar variation 5033902 (VCV005033902.1).

ClinVar aggregate classification (germline): Uncertain significance (1 of 4 stars; one submission).

Conditions:
Hereditary cancer-predisposing syndrome. Also called: Neoplastic Syndromes, Hereditary; Tumor predisposition; Hereditary neoplastic syndrome; Hereditary Cancer Syndrome. Identifiers: Orphanet 140162, MedGen C0027672, MeSH D009386, MONDO:0015356.

Submission:

Ambry Genetics
Classification: Uncertain significance for Hereditary cancer-predisposing syndrome. Last evaluated: 2026-07-06. Review status: criteria provided, single submitter. Criteria: Ambry Variant Classification Scheme 2023. Collection method: clinical testing. Allele origin: germline.
Comment: The p.I451T variant (also known as c.1352T>C), located in coding exon 10 of the CDH1 gene, results from a T to C substitution at nucleotide position 1352. The isoleucine at codon 451 is replaced by threonine, an amino acid with similar properties. This amino acid position is conserved. In addition, this alteration is predicted to be tolerated by in silico analysis. Based on the available evidence, the clinical significance of this variant remains unclear.